The following is an entry in ClinVar:

NM_012309.5(SHANK2):c.2420C>T (p.Pro807Leu)

Gene: SHANK2 (SH3 and multiple ankyrin repeat domains 2; minus strand). Cytogenetic location: 11q13.3.
Variant type: single nucleotide variant.
Coding change: c.2420C>T on transcript NM_012309.5 (MANE Select); coding-DNA position 2420, C replaced by T.
Protein change: p.Pro807Leu; replaces proline 807 with leucine.
Molecular consequence: missense variant. On other transcripts: non-coding transcript variant (1).
Genome position (GRCh38, 1-based): chr11:70,492,354, G>A on the plus strand (C>T on the coding strand, the complement: SHANK2 is on the minus strand). VCF-style: chr11-70492354-G-A. GRCh37 (hg19) VCF-style: chr11-70338459-G-A.
Other names: c.1283C>T, p.Pro428Leu (NM_001379226.1); c.2390C>T, p.Pro797Leu (NM_001441033.1, NM_001441034.1, NM_001441035.1 and 11 more transcripts); c.2318C>T, p.Pro773Leu (NM_001441038.1); c.1253C>T, p.Pro418Leu (NM_001441040.1, NM_001441041.1); c.647C>T, p.Pro216Leu (NM_001441042.1); c.2561C>T, p.Pro854Leu (NM_001441024.1); c.656C>T, p.Pro219Leu (NM_001441043.1, NM_133266.5); c.626C>T, p.Pro209Leu (NM_001441044.1, NM_001441045.1, NM_001441046.1); and 1 more; short protein forms P182L, P209L, P216L, P219L, P418L, P428L, P773L, P797L.
Identifiers: ClinVar variation 4534253 (VCV004534253.6).

ClinVar aggregate classification (germline): Likely benign (1 of 4 stars; one submission).

gnomAD v4.1: 32 of 1,612,154 alleles (0.002%); highest among the groups gnomAD compares: South Asian, 0.0088%; no homozygotes.

Submission:

CeGaT Center for Human Genetics Tuebingen
Classification: Likely benign. Last evaluated: 2025-11-01. Review status: criteria provided, single submitter. Criteria: CeGaT Center For Human Genetics Tuebingen Variant Classification Criteria Version 2. Collection method: clinical testing. Allele origin: germline. Affected: yes. Observed: 2 variant alleles.
Comment: SHANK2: BP4